The following is an entry in ClinVar:

ClinVar aggregate classification (germline): Pathogenic. Review status: criteria provided, multiple submitters, no conflicts (2 of 4 stars). 7 submissions from 6 submitters: Pathogenic (5). 2 of the submissions do not count toward it. Last evaluated 2026-01-06.

Conditions:
BBS9-related disorder. Also called: BBS9-related condition.
Retinal vascular dystrophy.
Bardet-Biedl syndrome (BBS). Identifiers: Orphanet 110, MedGen C0752166, MONDO:0015229.
Bardet-Biedl syndrome 9 (BBS9). Identifiers: Orphanet 110, MedGen C1859567, MONDO:0014437, OMIM 615986.

Allele frequency attached by ClinVar (database versions not stated): gnomAD exomes 0.00001 and 0.00002; TOPMed 0.00002; ExAC 0.00004.
gnomAD v4.1: 11 of 1,613,630 alleles (0.00068%); highest among the groups gnomAD compares: Admixed American, 0.0067%; no homozygotes.

Submissions (7):

Labcorp Genetics (formerly Invitae), Labcorp
Classification: Pathogenic for Bardet-Biedl syndrome. Last evaluated: 2026-01-06. Review status: criteria provided, single submitter. Criteria: Invitae Variant Classification Sherloc (09022015). Collection method: clinical testing. Allele origin: germline.
Comment: This sequence change creates a premature translational stop signal (p.Arg75*) in the BBS9 gene. It is expected to result in an absent or disrupted protein product. Loss-of-function variants in BBS9 are known to be pathogenic (PMID: 16380913, 20177705). This variant is present in population databases (rs775081992, gnomAD 0.006%). This premature translational stop signal has been observed in individual(s) with clinical features of Bardet-Biedl syndrome (PMID: 31488071). In at least one individual the data is consistent with being in trans (on the opposite chromosome) from a pathogenic variant. ClinVar contains an entry for this variant (Variation ID: 266106). For these reasons, this variant has been classified as Pathogenic.

PreventionGenetics, part of Exact Sciences
Classification: Pathogenic for BBS9-related condition. Last evaluated: 2025-12-01. Review status: criteria provided, single submitter. Criteria: ACMG Guidelines, 2015. Collection method: clinical testing. Allele origin: germline.
Comment: The BBS9 c.223C>T variant is predicted to result in premature protein termination (p.Arg75*). This variant has been reported in the compound heterozygous state in two unrelated patients with Bardet-Biedl syndrome (Shaheen et al. 2016. PubMed ID: 27894351; Table S3; Niazi et al. 2019. PubMed ID: 31488071). We have detected this variant at PreventionGenetics in the compound heterozygous and homozygous states in two patients with BBS (Internal Data). This variant is reported in 0.0058% of alleles in individuals of Latino descent in gnomAD. Nonsense variants in BBS9 are expected to be pathogenic. This variant is interpreted as pathogenic.

Fulgent Genetics
Classification: Pathogenic for Bardet-Biedl syndrome 9. Last evaluated: 2024-04-04. Review status: criteria provided, single submitter. Criteria: ACMG Guidelines, 2015. Collection method: clinical testing. Allele origin: germline.

Genomic Medicine Center of Excellence, King Faisal Specialist Hospital and Research Centre
Classification: Pathogenic for Bardet-Biedl syndrome 9. Last evaluated: 2024-03-17. Review status: criteria provided, single submitter. Criteria: ACMG Guidelines, 2015. Collection method: research. Allele origin: germline.

Blueprint Genetics
Classification: Pathogenic for BBS9-related disorders. Last evaluated: 2021-11-16. Review status: criteria provided, single submitter. Criteria: ACMG Guidelines, 2015. Collection method: clinical testing. Allele origin: germline. Affected: yes. Observed: 2 variant alleles.

Department of Clinical Genetics, Copenhagen University Hospital, Rigshospitalet
Classification: Likely pathogenic for Retinal vascular dystrophy. Last evaluated: 2018-04-01. Review status: no assertion criteria provided. Collection method: research. Allele origin: unknown. Affected: yes. Study: VeluxRD. Not counted in ClinVar's aggregate classification.

Genomic Medicine Center of Excellence, King Faisal Specialist Hospital and Research Centre
Classification: Pathogenic for Bardet-Biedl syndrome. Review status: no assertion criteria provided. Collection method: research. Allele origin: germline. Affected: yes. Observed: 1 homozygote. Not counted in ClinVar's aggregate classification.

Literature cited by the submitters: PubMed 16380913 (cited by Labcorp Genetics (formerly Invitae), Labcorp); PubMed 20177705 (cited by Labcorp Genetics (formerly Invitae), Labcorp); PubMed 31488071 (cited by Labcorp Genetics (formerly Invitae), Labcorp); PubMed 30718709 (cited by Department of Clinical Genetics, Copenhagen University Hospital, Rigshospitalet).

NM_198428.3(BBS9):c.223C>T (p.Arg75Ter)

Gene: BBS9 (Bardet-Biedl syndrome 9; plus strand). Cytogenetic location: 7p14.3.
Variant type: single nucleotide variant.
Coding change: c.223C>T on transcript NM_198428.3 (MANE Select); coding-DNA position 223, C replaced by T.
Protein change: p.Arg75Ter; replaces arginine 75 with a stop codon.
Molecular consequence: nonsense. On other transcripts: 5 prime UTR variant (4), non-coding transcript variant (3), intron variant (2).
Genome position (GRCh38, 1-based): chr7:33,152,811, C>T. VCF-style: chr7-33152811-C-T. GRCh37 (hg19) VCF-style: chr7-33192423-C-T.
Other names: c.223C>T, p.Arg75Ter (NM_001033604.2, NM_001033605.2, NM_001348036.1 and 5 more transcripts); c.-79C>T (NM_001348037.3, NM_001348045.3); c.-55C>T (NM_001348038.3, NM_001348039.3); c.88C>T, p.Arg30Ter (NM_001348042.3); c.-39+22770C>T (NM_001348046.3, NM_001348044.3); short protein forms R75*, R30*.
Identifiers: ClinVar variation 266106 (VCV000266106.17), dbSNP rs775081992, ClinGen allele CA4213903.